The following is an entry in ClinVar:

NM_013275.6(ANKRD11):c.4616A>C (p.Glu1539Ala)

Gene: ANKRD11 (ankyrin repeat domain 11; minus strand). Cytogenetic location: 16q24.3.
Variant type: single nucleotide variant.
Coding change: c.4616A>C on transcript NM_013275.6 (MANE Select); coding-DNA position 4616, A replaced by C.
Protein change: p.Glu1539Ala; replaces glutamic acid 1539 with alanine.
Molecular consequence: missense variant.
Genome position (GRCh38, 1-based): chr16:89,281,926, T>G on the plus strand (A>C on the coding strand, the complement: ANKRD11 is on the minus strand). VCF-style: chr16-89281926-T-G. GRCh37 (hg19) VCF-style: chr16-89348334-T-G.
Other names: c.4616A>C, p.Glu1539Ala (NM_001256182.2, NM_001256183.2); short protein forms E1539A.
Identifiers: ClinVar variation 3631990 (VCV003631990.2).

ClinVar aggregate classification (germline): Uncertain significance (1 of 4 stars; one submission).

Conditions:
KBG syndrome (KBGS). Also called: ANKRD11-Related KBG Syndrome. Identifiers: Orphanet 2332, MedGen C0220687, MONDO:0007846, OMIM 148050.

gnomAD v4.1: 8 of 1,613,166 alleles (0.0005%); highest among the groups gnomAD compares: African/African-American, 0.011%; no homozygotes.

Submission:

Labcorp Genetics (formerly Invitae), Labcorp
Classification: Uncertain significance for KBG syndrome. Last evaluated: 2024-11-06. Review status: criteria provided, single submitter. Criteria: Invitae Variant Classification Sherloc (09022015). Collection method: clinical testing. Allele origin: germline.
Comment: This sequence change replaces glutamic acid, which is acidic and polar, with alanine, which is neutral and non-polar, at codon 1539 of the ANKRD11 protein (p.Glu1539Ala). This variant is present in population databases (rs751369171, gnomAD 0.03%). This variant has not been reported in the literature in individuals affected with ANKRD11-related conditions. Invitae Evidence Modeling of protein sequence and biophysical properties (such as structural, functional, and spatial information, amino acid conservation, physicochemical variation, residue mobility, and thermodynamic stability) indicates that this missense variant is not expected to disrupt ANKRD11 protein function with a negative predictive value of 95%. In summary, the available evidence is currently insufficient to determine the role of this variant in disease. Therefore, it has been classified as a Variant of Uncertain Significance.